The following is an entry in ClinVar:

NM_003091.4(SNRPB):c.490G>C (p.Ala164Pro)

Gene: SNRPB (small nuclear ribonucleoprotein polypeptides B and B1; minus strand). Cytogenetic location: 20p13.
Variant type: single nucleotide variant.
Coding change: c.490G>C on transcript NM_003091.4 (MANE Select); coding-DNA position 490, G replaced by C.
Protein change: p.Ala164Pro; replaces alanine 164 with proline.
Molecular consequence: missense variant.
Genome position (GRCh38, 1-based): chr20:2,463,158, C>G on the plus strand (G>C on the coding strand, the complement: SNRPB is on the minus strand). VCF-style: chr20-2463158-C-G. GRCh37 (hg19) VCF-style: chr20-2443804-C-G.
Other names: c.490G>C, p.Ala164Pro (NM_198216.2); short protein forms A164P.
Identifiers: ClinVar variation 1960028 (VCV001960028.5), dbSNP rs2514420166, ClinGen allele CA408014019.

ClinVar aggregate classification (germline): Uncertain significance (1 of 4 stars; one submission).

Submission:

Labcorp Genetics (formerly Invitae), Labcorp
Classification: Uncertain significance. Last evaluated: 2022-09-05. Review status: criteria provided, single submitter. Criteria: Invitae Variant Classification Sherloc (09022015). Collection method: clinical testing. Allele origin: germline.
Comment: In summary, the available evidence is currently insufficient to determine the role of this variant in disease. Therefore, it has been classified as a Variant of Uncertain Significance. This variant is not present in population databases (gnomAD no frequency). This sequence change replaces alanine, which is neutral and non-polar, with proline, which is neutral and non-polar, at codon 164 of the SNRPB protein (p.Ala164Pro). Algorithms developed to predict the effect of missense changes on protein structure and function are either unavailable or do not agree on the potential impact of this missense change (SIFT: "Deleterious"; PolyPhen-2: "Possibly Damaging"; Align-GVGD: "Class C0"). This variant has not been reported in the literature in individuals affected with SNRPB-related conditions.